The following is an entry in ClinVar:

NM_001371986.1(UNC80):c.1753A>G (p.Asn585Asp)

Gene: UNC80 (unc-80 subunit of NALCN channel complex; plus strand). Cytogenetic location: 2q34.
Variant type: single nucleotide variant.
Coding change: c.1753A>G on transcript NM_001371986.1 (MANE Select); coding-DNA position 1753, A replaced by G.
Protein change: p.Asn585Asp; replaces asparagine 585 with aspartic acid.
Molecular consequence: missense variant.
Genome position (GRCh38, 1-based): chr2:209,819,052, A>G. VCF-style: chr2-209819052-A-G. GRCh37 (hg19) VCF-style: chr2-210683776-A-G.
Other names: c.1753A>G, p.Asn585Asp (NM_032504.2, NM_182587.4); short protein forms N585D.
Identifiers: ClinVar variation 4086734 (VCV004086734.1).

ClinVar aggregate classification (germline): Uncertain significance (1 of 4 stars; one submission).

gnomAD v4.1: 1 of 1,551,904 alleles (0.000064%); highest among the groups gnomAD compares: Non-Finnish European, 0.000087%; no homozygotes.

Submission:

GeneDx
Classification: Uncertain significance. Last evaluated: 2025-03-19. Review status: criteria provided, single submitter. Criteria: GeneDx Variant Classification Process June 2021. Collection method: clinical testing. Allele origin: germline. Affected: yes.
Comment: Not observed at significant frequency in large population cohorts (gnomAD); In silico analysis indicates that this missense variant does not alter protein structure/function; Has not been previously published as pathogenic or benign to our knowledge